The following is an entry in ClinVar:

NM_144668.6(CFAP251):c.3393C>T (p.Phe1131=)

Gene: CFAP251 (cilia and flagella associated protein 251; plus strand). Cytogenetic location: 12q24.31.
Variant type: single nucleotide variant.
Coding change: c.3393C>T on transcript NM_144668.6 (MANE Select); coding-DNA position 3393, C replaced by T.
Protein change: p.Phe1131=; no amino-acid change (phenylalanine 1131 retained).
Molecular consequence: synonymous variant.
Genome position (GRCh38, 1-based): chr12:122,003,707, C>T. VCF-style: chr12-122003707-C-T. GRCh37 (hg19) VCF-style: chr12-122441613-C-T.
Identifiers: ClinVar variation 3049480 (VCV003049480.2), dbSNP rs202063312, ClinGen allele CA6841180.

ClinVar aggregate classification (germline): Likely benign (0 of 4 stars; one submission).

Conditions:
CFAP251-related disorder. Also called: CFAP251-related condition.

Allele frequency attached by ClinVar (database versions not stated): 1000 Genomes Project 30x 0.00016.
gnomAD v4.1: 196 of 1,609,786 alleles (0.012%); highest among the groups gnomAD compares: Non-Finnish European, 0.015%; no homozygotes.

Submission:

PreventionGenetics, part of Exact Sciences
Classification: Likely benign for CFAP251-related condition. Last evaluated: 2019-07-22. Review status: no assertion criteria provided. Collection method: clinical testing. Allele origin: germline.
Comment: This variant is classified as likely benign based on ACMG/AMP sequence variant interpretation guidelines (Richards et al. 2015 PMID: 25741868, with internal and published modifications).